The following is an entry in ClinVar:

NM_016277.5(RAB23):c.335G>T (p.Gly112Val)

Gene: RAB23 (RAB23, member RAS oncogene family; minus strand). Cytogenetic location: 6p12.1.
Variant type: single nucleotide variant.
Coding change: c.335G>T on transcript NM_016277.5 (MANE Select); coding-DNA position 335, G replaced by T.
Protein change: p.Gly112Val; replaces glycine 112 with valine.
Molecular consequence: missense variant.
Genome position (GRCh38, 1-based): chr6:57,196,513, C>A on the plus strand (G>T on the coding strand, the complement: RAB23 is on the minus strand). VCF-style: chr6-57196513-C-A. GRCh37 (hg19) VCF-style: chr6-57061311-C-A.
Other names: c.335G>T, p.Gly112Val (NM_001278666.2, NM_001278667.2, NM_001278668.2 and 1 more transcripts); short protein forms G112V.
Identifiers: ClinVar variation 3351933 (VCV003351933.1).

ClinVar aggregate classification (germline): Uncertain significance (0 of 4 stars; one submission).

Conditions:
RAB23-related disorder. Also called: RAB23-related condition.

gnomAD v4.1: 47 of 1,614,034 alleles (0.0029%); highest among the groups gnomAD compares: Non-Finnish European, 0.0037%; no homozygotes.

Submission:

PreventionGenetics, part of Exact Sciences
Classification: Uncertain significance for RAB23-related condition. Last evaluated: 2024-04-02. Review status: no assertion criteria provided. Collection method: clinical testing. Allele origin: germline.
Comment: The RAB23 c.335G>T variant is predicted to result in the amino acid substitution p.Gly112Val. To our knowledge, this variant has not been reported in the literature. This variant is reported in 0.0026% of alleles in individuals of European (Non-Finnish) descent in gnomAD. At this time, the clinical significance of this variant is uncertain due to the absence of conclusive functional and genetic evidence.